The following is an entry in ClinVar:

ClinVar aggregate classification (germline): Likely pathogenic (1 of 4 stars; one submission).

Conditions:
Deeah syndrome. Also called: DEVELOPMENTAL DELAY WITH ENDOCRINE, EXOCRINE, AUTONOMIC, AND HEMATOLOGIC ABNORMALITIES. Identifiers: Orphanet 686495, MedGen C5436579, MONDO:0033561, OMIM 619004.

Allele frequency attached by ClinVar (database versions not stated): gnomAD 0.00001; gnomAD exomes 0.00001.
gnomAD v4.1: 10 of 1,613,870 alleles (0.00062%); highest among the groups gnomAD compares: African/African-American, 0.0013%; no homozygotes.

Submission:

Dasa
Classification: Likely pathogenic for Deeah syndrome. Last evaluated: 2022-01-05. Review status: criteria provided, single submitter. Criteria: ACMG Guidelines, 2015. Collection method: clinical testing. Allele origin: germline. Affected: yes. Observed: 1 variant allele.
Comment: The variant creates a premature translational stop signal c.2383C>T;p.(Arg795*) in MADD gene. It is expected to result in an absent or disrupted protein product - PVS1.This variant is not present in population databases (rs1327470716, gnomAD; ABraOM no frequency) - PM2_supporting. In summary, the currently available evidence indicates that the variant is likely pathogenic.

NM_001376571.1(MADD):c.2383C>T (p.Arg795Ter)

Gene: MADD (MAP kinase activating death domain; plus strand). Cytogenetic location: 11p11.2.
Variant type: single nucleotide variant.
Coding change: c.2383C>T on transcript NM_001376571.1 (MANE Select); coding-DNA position 2383, C replaced by T.
Protein change: p.Arg795Ter; replaces arginine 795 with a stop codon.
Molecular consequence: nonsense. On other transcripts: intron variant (55), non-coding transcript variant (5).
Genome position (GRCh38, 1-based): chr11:47,285,166, C>T. VCF-style: chr11-47285166-C-T. GRCh37 (hg19) VCF-style: chr11-47306717-C-T.
Other names: c.2383C>T, p.Arg795Ter (NM_001376594.1, NM_001376596.1, NM_001376599.1 and 33 more transcripts); c.2282+101C>T (NM_001376643.1, NM_001376617.1, NM_001376607.1 and 43 more transcripts); c.2179C>T, p.Arg727Ter (NM_001376620.1, NM_001376626.1, NM_001376648.1 and 1 more transcripts); c.1717C>T, p.Arg573Ter (NM_001376663.1); c.2258+101C>T (NM_001376602.1); c.2078+101C>T (NM_001376627.1, NM_001376659.1, NM_001376635.1 and 5 more transcripts); short protein forms R573*, R727*, R795*.
Identifiers: ClinVar variation 1334389 (VCV001334389.4), dbSNP rs1327470716, ClinGen allele CA380339502.
Genomic context (GRCh38, chr11:47,285,166, plus strand): 5'-CCCCAATATGGCTTTCCCCCTGAGGAAGATGAGGATGAGCAGGGGGAAAGTTACACTCCC[C>T]GATTCAGCCAACATGTCAGTGGCAATCGGTGAGAGCCTGGGCATCCCTTCTAGATGGGTG-3'